The following is an entry in ClinVar:

ClinVar aggregate classification (germline): Uncertain significance (1 of 4 stars; one submission).

Conditions:
Neurodevelopmental disorder with hypotonia, language delay, and skeletal defects with or without seizures (NEDHLSS). Identifiers: MedGen C5774213, MONDO:0859286, OMIM 620029.

Submission:

3billion
Classification: Uncertain significance for Neurodevelopmental disorder with hypotonia, language delay, and skeletal defects with or without seizures. Last evaluated: 2023-02-23. Review status: criteria provided, single submitter. Criteria: ACMG Guidelines, 2015. Collection method: clinical testing. Allele origin: unknown. Affected: yes.
Comment: The variant is not observed in the gnomAD v2.1.1 dataset. Missense changes are a common disease-causing mechanism. In silico tool predictions suggest damaging effect of the variant on gene or gene product (REVEL: 0.96; 3Cnet: 0.97). A different missense change at the same codon (p.Thr1168Asn) has been reported to be associated with CACNA1C -related disorder (ClinVar ID: VCV001303511). However the evidence of pathogenicity is insufficient at this time. Therefore, this variant is classified as VUS according to the recommendation of ACMG/AMP guideline.

NM_000719.7(CACNA1C):c.3502A>G (p.Thr1168Ala)

Gene: CACNA1C (calcium voltage-gated channel subunit alpha1 C; plus strand). Cytogenetic location: 12p13.33.
Variant type: single nucleotide variant.
Coding change: c.3502A>G on transcript NM_000719.7 (MANE Select); coding-DNA position 3502, A replaced by G.
Protein change: p.Thr1168Ala; replaces threonine 1168 with alanine.
Molecular consequence: missense variant.
Genome position (GRCh38, 1-based): chr12:2,608,656, A>G. VCF-style: chr12-2608656-A-G. GRCh37 (hg19) VCF-style: chr12-2717822-A-G.
Other names: c.3562A>G, p.Thr1188Ala (NM_001129827.2, NM_001129832.2, NM_199460.4); c.3502A>G, p.Thr1168Ala (NM_001129829.2, NM_001129830.3, NM_001129831.2 and 15 more transcripts); c.3493A>G, p.Thr1165Ala (NM_001129844.2); short protein forms T1165A, T1168A, T1188A.
Identifiers: ClinVar variation 2444050 (VCV002444050.1), dbSNP rs2518583070, ClinGen allele CA383375599.